The following is an entry in ClinVar:

ClinVar aggregate classification (germline): Uncertain significance (1 of 4 stars; one submission).

Conditions:
Parathyroid carcinoma (PRTC). Also called: Parathyroid gland carcinoma; CDC73-Related Parathyroid Carcinoma. Identifiers: Orphanet 143, MedGen C0687150, MONDO:0012004, OMIM 608266, HP:0006780.

gnomAD v4.1: 1 of 1,613,692 alleles (0.000062%); highest among the groups gnomAD compares: African/African-American, 0.0013%; no homozygotes.

Submission:

Labcorp Genetics (formerly Invitae), Labcorp
Classification: Uncertain significance for Parathyroid carcinoma. Last evaluated: 2024-07-03. Review status: criteria provided, single submitter. Criteria: Invitae Variant Classification Sherloc (09022015). Collection method: clinical testing. Allele origin: germline.
Comment: This sequence change replaces valine, which is neutral and non-polar, with leucine, which is neutral and non-polar, at codon 447 of the CDC73 protein (p.Val447Leu). This variant is not present in population databases (gnomAD no frequency). This variant has not been reported in the literature in individuals affected with CDC73-related conditions. Advanced modeling of protein sequence and biophysical properties (such as structural, functional, and spatial information, amino acid conservation, physicochemical variation, residue mobility, and thermodynamic stability) performed at Invitae indicates that this missense variant is expected to disrupt CDC73 protein function with a positive predictive value of 80%. RNA analysis performed to evaluate the impact of this missense change on mRNA splicing indicates it does not significantly alter splicing (Invitae). In summary, the available evidence is currently insufficient to determine the role of this variant in disease. Therefore, it has been classified as a Variant of Uncertain Significance.

NM_024529.5(CDC73):c.1339G>T (p.Val447Leu)

Gene: CDC73 (cell division cycle 73; plus strand). Cytogenetic location: 1q31.2.
Variant type: single nucleotide variant.
Coding change: c.1339G>T on transcript NM_024529.5 (MANE Select); coding-DNA position 1339, G replaced by T.
Protein change: p.Val447Leu; replaces valine 447 with leucine.
Molecular consequence: missense variant.
Genome position (GRCh38, 1-based): chr1:193,236,278, G>T. VCF-style: chr1-193236278-G-T. GRCh37 (hg19) VCF-style: chr1-193205408-G-T.
Other names: short protein forms V447L.
Identifiers: ClinVar variation 3658590 (VCV003658590.2).
Genomic context (GRCh38, chr1:193,236,278, plus strand): 5'-TGTCCCCTACCTCCCCCCACCCACTTTTCTACTTGTAGGGACCGCGTTGTAGCCGTTTTT[G>T]TGCAGGGTCCTGCATGGCAGTTCAAAGGTTGGCCATGGCTTTTGCCTGATGGATCACCAG-3'
Protein context (NP_078805.3, residues 437-457): QDWDRVVAVF[Val447Leu]QGPAWQFKGW